The following is an entry in ClinVar:

ClinVar aggregate classification (germline): Uncertain significance (1 of 4 stars; one submission).

Conditions:
COL4A2-related disorder. Also called: COL4A2-related disorders; COL4A2-related condition.

Submission:

PreventionGenetics, part of Exact Sciences
Classification: Uncertain significance for COL4A2-related condition. Last evaluated: 2026-03-26. Review status: criteria provided, single submitter. Criteria: ACMG Guidelines, 2015. Collection method: clinical testing. Allele origin: germline.
Comment: The COL4A2 c.3167C>T variant is predicted to result in the amino acid substitution p.Pro1056Leu. To our knowledge, this variant has not been reported in the literature or in a large population database (gnomAD), indicating this variant is rare. At this time, the clinical significance of this variant is uncertain due to the absence of conclusive functional and genetic evidence.

NM_001846.4(COL4A2):c.3167C>T (p.Pro1056Leu)

Gene: COL4A2 (collagen type IV alpha 2 chain; plus strand). Cytogenetic location: 13q34.
Variant type: single nucleotide variant.
Coding change: c.3167C>T on transcript NM_001846.4 (MANE Select); coding-DNA position 3167, C replaced by T.
Protein change: p.Pro1056Leu; replaces proline 1056 with leucine.
Molecular consequence: missense variant.
Genome position (GRCh38, 1-based): chr13:110,485,796, C>T. VCF-style: chr13-110485796-C-T. GRCh37 (hg19) VCF-style: chr13-111138143-C-T.
Other names: short protein forms P1056L.
Identifiers: ClinVar variation 4991783 (VCV004991783.1).